The following is an entry in ClinVar:

NM_003070.5(SMARCA2):c.657GCA[4] (p.Gln238_Pro239insGln)

Gene: SMARCA2 (SWI/SNF related BAF chromatin remodeling complex subunit ATPase 2; plus strand). Cytogenetic location: 9p24.3.
Variant type: Microsatellite.
Coding change: c.657GCA[4] on transcript NM_003070.5 (MANE Select); four copies in a row of the 3-base unit GCA starting at c.657; the reference has three copies in a row; one copy, 3 bases duplicated.
Protein change: p.Gln238_Pro239insGln.
Molecular consequence: inframe insertion. On other transcripts: inframe indel (1).
Genome position (GRCh38, 1-based): chr9:2,039,773-2,039,775, GCA duplicated; duplicating any 3 consecutive bases within chr9:2,039,765-2,039,775 gives the same sequence; the position shown is the placement nearest the transcript's 3' end. VCF-style (leftmost placement, unchanged base first): chr9-2039764-A-ACAG. GRCh37 (hg19) VCF-style: chr9-2039764-A-ACAG.
Other names: c.657_659GCA[4], p.Gln238_Pro239insGln (NM_001289396.2); c.657GCA[4], p.Gln238_Pro239insGln (NM_001289397.2, NM_139045.4).
Identifiers: ClinVar variation 3257086 (VCV003257086.17).

ClinVar aggregate classification (germline): Likely benign (1 of 4 stars; one submission).

Submission:

CeGaT Center for Human Genetics Tuebingen
Classification: Likely benign. Last evaluated: 2024-07-01. Review status: criteria provided, single submitter. Criteria: CeGaT Center For Human Genetics Tuebingen Variant Classification Criteria Version 2. Collection method: clinical testing. Allele origin: germline. Affected: yes. Observed: 1 variant allele.
Comment: SMARCA2: BP3, BS2